The following is an entry in ClinVar:

ClinVar aggregate classification (germline): Uncertain significance (1 of 4 stars; one submission).

Allele frequency attached by ClinVar (database versions not stated): gnomAD exomes 0.00001; TOPMed 0.00001.
gnomAD v4.1: 4 of 1,568,018 alleles (0.00026%); highest among the groups gnomAD compares: Non-Finnish European, 0.00035%; no homozygotes.

Submission:

Labcorp Genetics (formerly Invitae), Labcorp
Classification: Uncertain significance. Last evaluated: 2023-10-13. Review status: criteria provided, single submitter. Criteria: Invitae Variant Classification Sherloc (09022015). Collection method: clinical testing. Allele origin: germline.
Comment: This sequence change replaces alanine, which is neutral and non-polar, with valine, which is neutral and non-polar, at codon 2 of the VPS33B protein (p.Ala2Val). This variant is not present in population databases (gnomAD no frequency). This variant has not been reported in the literature in individuals affected with VPS33B-related conditions. An algorithm developed to predict the effect of missense changes on protein structure and function (PolyPhen-2) suggests that this variant is likely to be disruptive. In summary, the available evidence is currently insufficient to determine the role of this variant in disease. Therefore, it has been classified as a Variant of Uncertain Significance.

NM_018668.5(VPS33B):c.5C>T (p.Ala2Val)

Gene: VPS33B (VPS33B late endosome and lysosome associated; minus strand). Cytogenetic location: 15q26.1.
Variant type: single nucleotide variant.
Coding change: c.5C>T on transcript NM_018668.5 (MANE Select); coding-DNA position 5, C replaced by T.
Protein change: p.Ala2Val; replaces alanine 2 with valine.
Molecular consequence: missense variant. On other transcripts: 5 prime UTR variant (1).
Genome position (GRCh38, 1-based): chr15:91,022,245, G>A on the plus strand (C>T on the coding strand, the complement: VPS33B is on the minus strand). VCF-style: chr15-91022245-G-A. GRCh37 (hg19) VCF-style: chr15-91565475-G-A.
Other names: c.5C>T, p.Ala2Val (NM_001289148.1); c.-207C>T (NM_001289149.1); short protein forms A2V.
Identifiers: ClinVar variation 3002945 (VCV003002945.3), dbSNP rs1029244647, ClinGen allele CA274765057.